The following is an entry in ClinVar:

NM_000059.4(BRCA2):c.8278_8279insTTTAGCTGTCTTAAAGAATGGCAGACTGACAGTTGGTCAGAAGATTATTCTTCATGGAGCAGAACTGGTGG (p.Gly2760delinsValTer)

Gene: BRCA2 (BRCA2 DNA repair associated; plus strand). Cytogenetic location: 13q13.1.
Variant type: Insertion.
Coding change: c.8278_8279insTTTAGCTGTCTTAAAGAATGGCAGACTGACAGTTGGTCAGAAGATTATTCTTCATGGAGCAGAACTGGTGG on transcript NM_000059.4 (MANE Select); coding-DNA positions 8278 to 8279, TTTAGCTGTCTTAAAGAATGGCAGACTGACAGTTGGTCAGAAGATTATTCTTCATGGAGCAGAACTGGTGG inserted.
Protein change: p.Gly2760delinsValTer.
Molecular consequence: nonsense.
Genome position: GRCh38: chr13:32,363,480-32,363,481. GRCh37 (hg19): chr13:32,937,617-32,937,618.
Other names: c.8278_8279insTTTAGCTGTCTTAAAGAATGGCAGACTGACAGTTGGTCAGAAGATTATTCTTCATGGAGCAGAACTGGTGG (NM_000059.3).
Identifiers: ClinVar variation 1071126 (VCV001071126.9), dbSNP rs2137581823, ClinGen allele CA2499222322.

ClinVar aggregate classification (germline): Pathogenic/Likely pathogenic. Review status: criteria provided, multiple submitters, no conflicts (2 of 4 stars). 3 submissions from 3 submitters: Pathogenic (2); Likely pathogenic (1). Last evaluated 2026-04-22.

Conditions:
Hereditary cancer-predisposing syndrome. Also called: Hereditary neoplastic syndrome; Neoplastic Syndromes, Hereditary; Tumor predisposition; Hereditary Cancer Syndrome. Identifiers: Orphanet 140162, MedGen C0027672, MeSH D009386, MONDO:0015356.
Hereditary breast ovarian cancer syndrome. Also called: Hereditary breast and ovarian cancer syndrome; Hereditary breast and/or ovarian cancer syndrome; Hereditary breast and ovarian cancer; Hereditary breast and ovarian cancer syndrome (HBOC); BRCA1- and BRCA2-Associated Hereditary Breast and Ovarian Cancer; Breast and ovarian cancer. Identifiers: Orphanet 145, MedGen C0677776, MeSH D061325, MONDO:0003582. Disease mechanism: loss of function.

Submissions (3):

Ambry Genetics
Classification: Pathogenic for Hereditary cancer-predisposing syndrome. Last evaluated: 2026-04-22. Review status: criteria provided, single submitter. Criteria: Ambry Variant Classification Scheme 2023. Collection method: clinical testing. Allele origin: germline.
Comment: The c.8278_8279ins71 variant, located in coding exon 17 of the BRCA2 gene, results from an insertion of 71 nucleotides at position 8278, causing a translational frameshift with a predicted alternate stop codon (p.G2760Vfs*2). This variant is considered to be rare based on population cohorts in the Genome Aggregation Database (gnomAD). This alteration is expected to result in loss of function by premature protein truncation or nonsense-mediated mRNA decay. As such, this alteration is interpreted as a disease-causing mutation.

Revvity Omics, Revvity
Classification: Likely pathogenic. Last evaluated: 2024-04-10. Review status: criteria provided, single submitter. Criteria: ACMG Guidelines, 2015. Collection method: clinical testing. Allele origin: germline.

Labcorp Genetics (formerly Invitae), Labcorp
Classification: Pathogenic for Hereditary breast ovarian cancer syndrome. Last evaluated: 2024-02-29. Review status: criteria provided, single submitter. Criteria: Invitae Variant Classification Sherloc (09022015). Collection method: clinical testing. Allele origin: germline.
Comment: This sequence change creates a premature translational stop signal (p.Gly2760Valfs*2) in the BRCA2 gene. It is expected to result in an absent or disrupted protein product. Loss-of-function variants in BRCA2 are known to be pathogenic (PMID: 20104584). This variant is not present in population databases (gnomAD no frequency). This variant has not been reported in the literature in individuals affected with BRCA2-related conditions. ClinVar contains an entry for this variant (Variation ID: 1071126). For these reasons, this variant has been classified as Pathogenic.

Literature cited by the submitters: PubMed 20104584 (cited by Labcorp Genetics (formerly Invitae), Labcorp).